The following is an entry in ClinVar:

ClinVar aggregate classification (germline): Uncertain significance (1 of 4 stars; one submission).

gnomAD v4.1: 4 of 1,223,950 alleles (0.00033%); highest among the groups gnomAD compares: Non-Finnish European, 0.00046%; no homozygotes.

Submission:

Labcorp Genetics (formerly Invitae), Labcorp
Classification: Uncertain significance. Last evaluated: 2021-11-09. Review status: criteria provided, single submitter. Criteria: Invitae Variant Classification Sherloc (09022015). Collection method: clinical testing. Allele origin: germline.
Comment: This sequence change replaces proline, which is neutral and non-polar, with threonine, which is neutral and polar, at codon 2423 of the PCLO protein (p.Pro2423Thr). This variant is not present in population databases (gnomAD no frequency). This variant has not been reported in the literature in individuals affected with PCLO-related conditions. Algorithms developed to predict the effect of missense changes on protein structure and function are either unavailable or do not agree on the potential impact of this missense change (SIFT: "Tolerated"; PolyPhen-2: "Not Available"; Align-GVGD: "Class C0"). In summary, the available evidence is currently insufficient to determine the role of this variant in disease. Therefore, it has been classified as a Variant of Uncertain Significance.

NM_033026.6(PCLO):c.7267C>A (p.Pro2423Thr)

Gene: PCLO (piccolo presynaptic cytomatrix protein; minus strand). Cytogenetic location: 7q21.11.
Variant type: single nucleotide variant.
Coding change: c.7267C>A on transcript NM_033026.6 (MANE Select); coding-DNA position 7267, C replaced by A.
Protein change: p.Pro2423Thr; replaces proline 2423 with threonine.
Molecular consequence: missense variant.
Genome position (GRCh38, 1-based): chr7:82,953,686, G>T on the plus strand (C>A on the coding strand, the complement: PCLO is on the minus strand). VCF-style: chr7-82953686-G-T. GRCh37 (hg19) VCF-style: chr7-82583002-G-T.
Other names: c.7267C>A, p.Pro2423Thr (NM_014510.3); short protein forms P2423T.
Identifiers: ClinVar variation 1497256 (VCV001497256.6), dbSNP rs1214764758, ClinGen allele CA367917352.